The following is an entry in ClinVar:

NM_000179.3(MSH6):c.2452C>A (p.Leu818Ile)

Gene: MSH6 (mutS homolog 6; plus strand). Cytogenetic location: 2p16.3.
Variant type: single nucleotide variant.
Coding change: c.2452C>A on transcript NM_000179.3 (MANE Select); coding-DNA position 2452, C replaced by A.
Protein change: p.Leu818Ile; replaces leucine 818 with isoleucine.
Molecular consequence: missense variant.
Genome position (GRCh38, 1-based): chr2:47,800,435, C>A. VCF-style: chr2-47800435-C-A. GRCh37 (hg19) VCF-style: chr2-48027574-C-A.
Other names: c.2062C>A, p.Leu688Ile (NM_001281492.2); c.1546C>A, p.Leu516Ile (NM_001281493.2, NM_001281494.2); short protein forms L516I, L818I, L688I.
Identifiers: ClinVar variation 952383 (VCV000952383.13), dbSNP rs786203612, ClinGen allele CA346754072.
Genomic context (GRCh38, chr2:47,800,435, plus strand): 5'-CTCATGGTTGTGCCTGACAAAATCTCCGAAGTTGTAGAGCTTCTAAAGAAGCTTCCAGAT[C>A]TTGAGAGGCTACTCAGTAAAATTCATAATGTTGGGTCTCCCCTGAAGAGTCAGAACCACC-3'
Protein context (NP_000170.1, residues 808-828): VVELLKKLPD[Leu818Ile]ERLLSKIHNV

ClinVar aggregate classification (germline): Uncertain significance. Review status: criteria provided, multiple submitters, no conflicts (2 of 4 stars). 2 submissions from 2 submitters: Uncertain significance (2). Last evaluated 2025-01-14.

Conditions:
Hereditary cancer-predisposing syndrome. Also called: Tumor predisposition; Hereditary neoplastic syndrome; Neoplastic Syndromes, Hereditary; Hereditary Cancer Syndrome. Identifiers: Orphanet 140162, MedGen C0027672, MeSH D009386, MONDO:0015356.
Hereditary nonpolyposis colorectal neoplasms. Identifiers: MedGen C0009405, MeSH D003123.

Submissions (2):

Ambry Genetics
Classification: Uncertain significance for Hereditary cancer-predisposing syndrome. Last evaluated: 2025-01-14. Review status: criteria provided, single submitter. Criteria: Ambry Variant Classification Scheme 2023. Collection method: clinical testing. Allele origin: germline.
Comment: The p.L818I variant (also known as c.2452C>A), located in coding exon 4 of the MSH6 gene, results from a C to A substitution at nucleotide position 2452. The leucine at codon 818 is replaced by isoleucine, an amino acid with highly similar properties. This amino acid position is highly conserved in available vertebrate species. In addition, the in silico prediction for this alteration is inconclusive. Based on the available evidence, the clinical significance of this variant remains unclear.

Labcorp Genetics (formerly Invitae), Labcorp
Classification: Uncertain significance for Hereditary nonpolyposis colorectal neoplasms. Last evaluated: 2021-08-26. Review status: criteria provided, single submitter. Criteria: Invitae Variant Classification Sherloc (09022015). Collection method: clinical testing. Allele origin: germline.
Comment: This variant has not been reported in the literature in individuals with MSH6-related conditions. This variant is not present in population databases (ExAC no frequency). This sequence change replaces leucine with isoleucine at codon 818 of the MSH6 protein (p.Leu818Ile). The leucine residue is highly conserved and there is a small physicochemical difference between leucine and isoleucine. Algorithms developed to predict the effect of missense changes on protein structure and function are either unavailable or do not agree on the potential impact of this missense change (SIFT: "Deleterious"; PolyPhen-2: "Probably Damaging"; Align-GVGD: "Class C0"). In summary, the available evidence is currently insufficient to determine the role of this variant in disease. Therefore, it has been classified as a Variant of Uncertain Significance.